The following is an entry in ClinVar:

ClinVar aggregate classification (germline): Uncertain significance (1 of 4 stars; one submission).

Submission:

Labcorp Genetics (formerly Invitae), Labcorp
Classification: Uncertain significance. Last evaluated: 2024-07-16. Review status: criteria provided, single submitter. Criteria: Invitae Variant Classification Sherloc (09022015). Collection method: clinical testing. Allele origin: germline.
Comment: This sequence change replaces lysine, which is basic and polar, with glutamic acid, which is acidic and polar, at codon 426 of the ASXL1 protein (p.Lys426Glu). This variant is not present in population databases (gnomAD no frequency). This variant has not been reported in the literature in individuals affected with ASXL1-related conditions. An algorithm developed to predict the effect of missense changes on protein structure and function (PolyPhen-2) suggests that this variant is likely to be disruptive. In summary, the available evidence is currently insufficient to determine the role of this variant in disease. Therefore, it has been classified as a Variant of Uncertain Significance.

NM_015338.6(ASXL1):c.1276A>G (p.Lys426Glu)

Gene: ASXL1 (ASXL transcriptional regulator 1; plus strand). Cytogenetic location: 20q11.21.
Variant type: single nucleotide variant.
Coding change: c.1276A>G on transcript NM_015338.6 (MANE Select); coding-DNA position 1276, A replaced by G.
Protein change: p.Lys426Glu; replaces lysine 426 with glutamic acid.
Molecular consequence: missense variant.
Genome position (GRCh38, 1-based): chr20:32,433,474, A>G. VCF-style: chr20-32433474-A-G. GRCh37 (hg19) VCF-style: chr20-31021277-A-G.
Other names: c.1093A>G, p.Lys365Glu (NM_001363734.1); short protein forms K426E, K365E.
Identifiers: ClinVar variation 3659646 (VCV003659646.2).